The following is an entry in ClinVar:

NM_001287491.2(TET3):c.2135G>C (p.Arg712Pro)

Gene: TET3 (tet methylcytosine dioxygenase 3; plus strand). Cytogenetic location: 2p13.1.
Variant type: single nucleotide variant.
Coding change: c.2135G>C on transcript NM_001287491.2 (MANE Select); coding-DNA position 2135, G replaced by C.
Protein change: p.Arg712Pro; replaces arginine 712 with proline.
Molecular consequence: missense variant.
Genome position (GRCh38, 1-based): chr2:74,048,052, G>C. VCF-style: chr2-74048052-G-C. GRCh37 (hg19) VCF-style: chr2-74275179-G-C.
Other names: c.1856G>C, p.Arg619Pro (NM_001366022.1); c.1730G>C, p.Arg577Pro (NM_144993.1); short protein forms R619P, R712P, R577P.
Identifiers: ClinVar variation 2773089 (VCV002773089.3), dbSNP rs57955681, ClinGen allele CA347329944.

ClinVar aggregate classification (germline): Uncertain significance (1 of 4 stars; one submission).

Submission:

Labcorp Genetics (formerly Invitae), Labcorp
Classification: Uncertain significance. Last evaluated: 2026-01-08. Review status: criteria provided, single submitter. Criteria: Invitae Variant Classification Sherloc (09022015). Collection method: clinical testing. Allele origin: germline.
Comment: This sequence change replaces arginine, which is basic and polar, with proline, which is neutral and non-polar, at codon 712 of the TET3 protein (p.Arg712Pro). This variant is not present in population databases (gnomAD no frequency). This variant has not been reported in the literature in individuals affected with TET3-related conditions. ClinVar contains an entry for this variant (Variation ID: 2773089). Experimental studies and prediction algorithms are not available or were not evaluated, and the functional significance of this variant is currently unknown. In summary, the available evidence is currently insufficient to determine the role of this variant in disease. Therefore, it has been classified as a Variant of Uncertain Significance.